The following is an entry in ClinVar:

NM_133510.4(RAD51B):c.203A>T (p.Tyr68Phe)

Gene: RAD51B (RAD51 paralog B; plus strand). Cytogenetic location: 14q24.1.
Variant type: single nucleotide variant.
Coding change: c.203A>T on transcript NM_133510.4 (MANE Select); coding-DNA position 203, A replaced by T.
Protein change: p.Tyr68Phe; replaces tyrosine 68 with phenylalanine.
Molecular consequence: missense variant. On other transcripts: 5 prime UTR variant (1).
Genome position (GRCh38, 1-based): chr14:67,835,084, A>T. VCF-style: chr14-67835084-A-T. GRCh37 (hg19) VCF-style: chr14-68301801-A-T.
Other names: c.203A>T, p.Tyr68Phe (NM_001321809.2, NM_001321810.2, NM_001321812.1 and 6 more transcripts); c.89A>T, p.Tyr30Phe (NM_001321815.1); c.-253A>T (NM_001321817.2); short protein forms Y68F, Y30F.
Identifiers: ClinVar variation 4842725 (VCV004842725.1).

ClinVar aggregate classification (germline): Uncertain significance (1 of 4 stars; one submission).

Submission:

Ambry Genetics
Classification: Uncertain significance. Last evaluated: 2026-01-14. Review status: criteria provided, single submitter. Criteria: Ambry Variant Classification Scheme 2023. Collection method: clinical testing. Allele origin: germline.
Comment: The p.Y68F variant (also known as c.203A>T), located in coding exon 3 of the RAD51B gene, results from an A to T substitution at nucleotide position 203. The tyrosine at codon 68 is replaced by phenylalanine, an amino acid with highly similar properties. This amino acid position is conserved. In addition, this alteration is predicted to be tolerated by in silico analysis. Based on the available evidence, the clinical significance of this variant remains unclear.